The following is an entry in ClinVar:

ClinVar aggregate classification (germline): Uncertain significance. Review status: criteria provided, multiple submitters, no conflicts (2 of 4 stars). 2 submissions from 2 submitters: Uncertain significance (2). Last evaluated 2023-12-29.

Conditions:
Episodic ataxia type 1 (EA1). Also called: Episodic ataxia/myokymia syndrome; ATAXIA, EPISODIC, WITH MYOKYMIA; MYOKYMIA WITH PERIODIC ATAXIA; PAROXYSMAL ATAXIA WITH NEUROMYOTONIA, HEREDITARY. Identifiers: Orphanet 37612, Orphanet 972, MedGen C1719788, MONDO:0008047, OMIM 160120.

Allele frequency attached by ClinVar (database versions not stated): TOPMed below 0.00001; gnomAD 0.00001; gnomAD exomes 0.00002; ExAC 0.00003.
gnomAD v4.1: 27 of 1,613,764 alleles (0.0017%); highest among the groups gnomAD compares: Non-Finnish European, 0.0022%; no homozygotes.

Submissions (2):

Fulgent Genetics
Classification: Uncertain significance for Episodic ataxia type 1. Last evaluated: 2023-12-29. Review status: criteria provided, single submitter. Criteria: ACMG Guidelines, 2015. Collection method: clinical testing. Allele origin: germline.

Labcorp Genetics (formerly Invitae), Labcorp
Classification: Uncertain significance for Episodic ataxia type 1. Last evaluated: 2022-03-11. Review status: criteria provided, single submitter. Criteria: Invitae Variant Classification Sherloc (09022015). Collection method: clinical testing. Allele origin: germline.
Comment: In summary, the available evidence is currently insufficient to determine the role of this variant in disease. Therefore, it has been classified as a Variant of Uncertain Significance. Advanced modeling of protein sequence and biophysical properties (such as structural, functional, and spatial information, amino acid conservation, physicochemical variation, residue mobility, and thermodynamic stability) performed at Invitae indicates that this missense variant is not expected to disrupt KCNA1 protein function. This variant has not been reported in the literature in individuals affected with KCNA1-related conditions. This variant is present in population databases (rs755064500, gnomAD 0.005%). This sequence change replaces proline, which is neutral and non-polar, with leucine, which is neutral and non-polar, at codon 25 of the KCNA1 protein (p.Pro25Leu).

NM_000217.3(KCNA1):c.74C>T (p.Pro25Leu)

Gene: KCNA1 (potassium voltage-gated channel subfamily A member 1; plus strand). Cytogenetic location: 12p13.32.
Variant type: single nucleotide variant.
Coding change: c.74C>T on transcript NM_000217.3 (MANE Select); coding-DNA position 74, C replaced by T.
Protein change: p.Pro25Leu; replaces proline 25 with leucine.
Molecular consequence: missense variant.
Genome position (GRCh38, 1-based): chr12:4,911,452, C>T. VCF-style: chr12-4911452-C-T. GRCh37 (hg19) VCF-style: chr12-5020618-C-T.
Other names: short protein forms P25L.
Identifiers: ClinVar variation 2171522 (VCV002171522.5), dbSNP rs755064500, ClinGen allele CA6399338.